The following is an entry in ClinVar:

ClinVar aggregate classification (germline): Uncertain significance. Review status: criteria provided, multiple submitters, no conflicts (2 of 4 stars). 6 submissions from 6 submitters: Uncertain significance (4). 2 of the submissions do not count toward it. Last evaluated 2026-01-23.

Conditions:
Galactosylceramide beta-galactosidase deficiency. Also called: Leukodystrophy, Globoid Cell; Krabbe Disease; GALACTOCEREBROSIDASE DEFICIENCY; GALC DEFICIENCY; GLOBOID CELL LEUKOENCEPHALOPATHY. Identifiers: Orphanet 487, MedGen C0023521, MONDO:0009499, OMIM 245200.

Allele frequency attached by ClinVar (database versions not stated): gnomAD exomes 0.00001; ExAC 0.00003; gnomAD 0.00005 and 0.00006; TOPMed 0.00006; ESP Exome Variant Server 0.00009.
gnomAD v4.1: 24 of 1,609,626 alleles (0.0015%); highest among the groups gnomAD compares: Admixed American, 0.005%; no homozygotes.

Submissions (6):

Labcorp Genetics (formerly Invitae), Labcorp
Classification: Uncertain significance for Galactosylceramide beta-galactosidase deficiency. Last evaluated: 2026-01-23. Review status: criteria provided, single submitter. Criteria: Invitae Variant Classification Sherloc (09022015). Collection method: clinical testing. Allele origin: germline.
Comment: This sequence change replaces arginine, which is basic and polar, with glutamine, which is neutral and polar, at codon 69 of the GALC protein (p.Arg69Gln). This variant is present in population databases (rs371523347, gnomAD 0.004%). This missense change has been observed in individual(s) with a positive newborn screening result for GALC-related disease (PMID: 26795590). This variant is also known as p.R53Q. ClinVar contains an entry for this variant (Variation ID: 550136). Invitae Evidence Modeling of protein sequence and biophysical properties (such as structural, functional, and spatial information, amino acid conservation, physicochemical variation, residue mobility, and thermodynamic stability) indicates that this missense variant is expected to disrupt GALC protein function with a positive predictive value of 95%. Experimental studies are conflicting or provide insufficient evidence to determine the effect of this variant on GALC function (PMID: 27638593). In summary, the available evidence is currently insufficient to determine the role of this variant in disease. Therefore, it has been classified as a Variant of Uncertain Significance.

Women's Health and Genetics/Laboratory Corporation of America, LabCorp
Classification: Uncertain significance. Last evaluated: 2022-06-09. Review status: criteria provided, single submitter. Criteria: LabCorp Variant Classification Summary - May 2015. Collection method: clinical testing. Allele origin: germline.
Comment: Variant summary: GALC c.206G>A (p.Arg69Gln) results in a conservative amino acid change in the encoded protein sequence. Four of five in-silico tools predict a damaging effect of the variant on protein function. The variant allele was found at a frequency of 1.2e-05 in 248892 control chromosomes. The available data on variant occurrences in the general population are insufficient to allow any conclusion about variant significance. c.206G>A has been reported among 348 infants with low GALC activity referred for genetic testing (Orsini_2016). These reports do not provide unequivocal conclusions about association of the variant with Krabbe Disease. In a functional study, the variant was reported to have slightly reduced GALC activity (around 80% residual activity, Saavedra-Martiz_2016). Three clinical diagnostic laboratories have submitted clinical-significance assessments for this variant to ClinVar after 2014 without evidence for independent evaluation. All laboratories classified the variant as uncertain significance. Based on the evidence outlined above, the variant was classified as uncertain significance.

Revvity Omics, Revvity
Classification: Uncertain significance. Last evaluated: 2021-09-02. Review status: criteria provided, single submitter. Criteria: ACMG Guidelines, 2015. Collection method: clinical testing. Allele origin: germline.

Blueprint Genetics
Classification: Uncertain significance. Last evaluated: 2021-06-01. Review status: criteria provided, single submitter. Criteria: ACMG Guidelines, 2015. Collection method: clinical testing. Allele origin: germline.

Natera, Inc.
Classification: Uncertain significance for Galactosylceramide beta-galactosidase deficiency. Last evaluated: 2020-06-15. Review status: no assertion criteria provided. Collection method: clinical testing. Allele origin: germline. Not counted in ClinVar's aggregate classification.

Counsyl
Classification: Uncertain significance for Galactosylceramide beta-galactosidase deficiency. Last evaluated: 2017-01-06. Review status: no assertion criteria provided. Collection method: clinical testing. Allele origin: unknown. Not counted in ClinVar's aggregate classification.

Literature cited by the submitters: PubMed 26795590 (cited by 3 submitters); PubMed 27638593 (cited by 3 submitters).

NM_000153.4(GALC):c.206G>A (p.Arg69Gln)

Gene: GALC (galactosylceramidase; minus strand). Cytogenetic location: 14q31.3.
Variant type: single nucleotide variant.
Coding change: c.206G>A on transcript NM_000153.4 (MANE Select); coding-DNA position 206, G replaced by A.
Protein change: p.Arg69Gln; replaces arginine 69 with glutamine.
Molecular consequence: missense variant. On other transcripts: intron variant (1).
Genome position (GRCh38, 1-based): chr14:87,988,513, C>T on the plus strand (G>A on the coding strand, the complement: GALC is on the minus strand). VCF-style: chr14-87988513-C-T. GRCh37 (hg19) VCF-style: chr14-88454857-C-T.
Other names: c.128G>A, p.Arg43Gln (NM_001201402.2); c.196-306G>A (NM_001201401.2); short protein forms R69Q, R43Q.
Identifiers: ClinVar variation 550136 (VCV000550136.17), dbSNP rs371523347, ClinGen allele CA7297460.